The following is an entry in ClinVar:

NM_004260.4(RECQL4):c.118G>A (p.Ala40Thr)

Genes: RECQL4 (RecQ like helicase 4; minus strand), LOC130001411 (ATAC-STARR-seq lymphoblastoid silent region 19699; plus strand). Cytogenetic location: 8q24.3.
Variant type: single nucleotide variant.
Coding change: c.118G>A on transcript NM_004260.4 (MANE Select); coding-DNA position 118, G replaced by A.
Protein change: p.Ala40Thr; replaces alanine 40 with threonine.
Molecular consequence: missense variant. On other transcripts: 5 prime UTR variant (17), non-coding transcript variant (3), intron variant (1).
Genome position (GRCh38, 1-based): chr8:144,517,602, C>T on the plus strand (G>A on the coding strand, the complement: RECQL4 is on the minus strand). VCF-style: chr8-144517602-C-T. GRCh37 (hg19) VCF-style: chr8-145742986-C-T.
Other names: c.118G>A, p.Ala40Thr (NM_001413039.1, NM_001413029.1, NM_001413033.1 and 5 more transcripts); c.-859G>A (NM_001413040.1); c.-1016G>A (NM_001413041.1, NM_001413030.1, NM_001413031.1 and 1 more transcripts); c.-954G>A (NM_001413042.1, NM_001413037.1, NM_001413038.1 and 2 more transcripts); c.-1223G>A (NM_001413043.1); c.84+99G>A (NM_001413025.1); c.-913G>A (NM_001413032.1); c.-858G>A (NM_001413034.1); and 3 more; short protein forms A40T.
Identifiers: ClinVar variation 2715584 (VCV002715584.3), dbSNP rs2538128894, ClinGen allele CA372693351.
Genomic context (GRCh38, chr8:144,517,602, plus strand): 5'-GGGCCTGGGCCCCTGCCGACCCGGTGTCTTCTCGCCCCCGCCGCCCCGCCGCGCGCTCAC[C>T]GCGGGTCTCCTCCGGCGCCGCCTCCACGTCGTCCTGTAAAGGGAACGCGTCAGCCGCGGG-3'
Protein context (NP_004251.4, residues 30-50): DVEAAPEETR[Ala40Thr]LYREYRTLKR

ClinVar aggregate classification (germline): Uncertain significance (1 of 4 stars; one submission).

Conditions:
Baller-Gerold syndrome (BGS). Also called: CRANIOSYNOSTOSIS WITH RADIAL DEFECTS. Identifiers: Orphanet 1225, MedGen C0265308, MONDO:0009039, OMIM 218600.

gnomAD v4.1: 2 of 1,486,334 alleles (0.00013%); highest among the groups gnomAD compares: Non-Finnish European, 0.000089%; no homozygotes.

Submission:

Labcorp Genetics (formerly Invitae), Labcorp
Classification: Uncertain significance for Baller-Gerold syndrome. Last evaluated: 2023-06-15. Review status: criteria provided, single submitter. Criteria: Invitae Variant Classification Sherloc (09022015). Collection method: clinical testing. Allele origin: germline.
Comment: In summary, the available evidence is currently insufficient to determine the role of this variant in disease. Therefore, it has been classified as a Variant of Uncertain Significance. Variants that disrupt the consensus splice site are a relatively common cause of aberrant splicing (PMID: 17576681, 9536098). Algorithms developed to predict the effect of sequence changes on RNA splicing suggest that this variant may disrupt the consensus splice site. Experimental studies and prediction algorithms are not available or were not evaluated, and the functional significance of this variant is currently unknown. This variant has not been reported in the literature in individuals affected with RECQL4-related conditions. This variant is not present in population databases (gnomAD no frequency). This sequence change replaces alanine, which is neutral and non-polar, with threonine, which is neutral and polar, at codon 40 of the RECQL4 protein (p.Ala40Thr). This variant also falls at the last nucleotide of exon 2, which is part of the consensus splice site for this exon.

Literature cited by the submitters: PubMed 17576681; PubMed 9536098.